The following is an entry in ClinVar:

ClinVar aggregate classification (germline): Benign/Likely benign. Review status: criteria provided, multiple submitters, no conflicts (2 of 4 stars). 4 submissions from 4 submitters: Benign (1); Likely benign (3). Last evaluated 2025-09-02.

Conditions:
SALL1-related disorder. Also called: SALL1-related condition.
Townes-Brocks syndrome 1 (TBS1). Also called: SALL1-Related Townes-Brocks Syndrome; DEAFNESS, SENSORINEURAL, WITH IMPERFORATE ANUS AND THUMB ANOMALIES; REAR SYNDROME; RENAL-EAR-ANAL-RADIAL SYNDROME. Identifiers: Orphanet 857, MedGen C4551481, MONDO:0054581, OMIM 107480.
Townes syndrome (TBS). Also called: Townes-Brocks syndrome. Identifiers: Orphanet 857, MedGen C0265246, MeSH C536974, MONDO:0007142.

Allele frequency attached by ClinVar (database versions not stated): gnomAD 0.00003 and 0.00004; TOPMed 0.00003; gnomAD exomes 0.00012 and 0.00040; 1000 Genomes Project 30x 0.00016; 1000 Genomes Project 0.00020; ExAC 0.00068.
gnomAD v4.1: 219 of 1,614,162 alleles (0.014%); highest among the groups gnomAD compares: Non-Finnish European, 0.011%; 2 homozygotes.

Submissions (4):

PreventionGenetics, part of Exact Sciences
Classification: Likely benign for SALL1-related condition. Last evaluated: 2025-09-02. Review status: criteria provided, single submitter. Criteria: ACMG Guidelines, 2015. Collection method: clinical testing. Allele origin: germline.
Comment: This variant is classified as likely benign based on ACMG/AMP sequence variant interpretation guidelines (Richards et al. 2015 PMID: 25741868, with internal and published modifications).

Labcorp Genetics (formerly Invitae), Labcorp
Classification: Likely benign for Townes syndrome. Last evaluated: 2024-10-09. Review status: criteria provided, single submitter. Criteria: Invitae Variant Classification Sherloc (09022015). Collection method: clinical testing. Allele origin: germline.

Fulgent Genetics
Classification: Likely benign for Townes-Brocks syndrome 1. Last evaluated: 2022-01-28. Review status: criteria provided, single submitter. Criteria: ACMG Guidelines, 2015. Collection method: clinical testing. Allele origin: unknown.

GeneDx
Classification: Benign. Last evaluated: 2020-12-29. Review status: criteria provided, single submitter. Criteria: GeneDx Variant Classification Process June 2021. Collection method: clinical testing. Allele origin: germline. Affected: yes.

NM_002968.3(SALL1):c.1565C>T (p.Thr522Met)

Gene: SALL1 (spalt like transcription factor 1; minus strand). Cytogenetic location: 16q12.1.
Variant type: single nucleotide variant.
Coding change: c.1565C>T on transcript NM_002968.3 (MANE Select); coding-DNA position 1565, C replaced by T.
Protein change: p.Thr522Met; replaces threonine 522 with methionine.
Molecular consequence: missense variant.
Genome position (GRCh38, 1-based): chr16:51,140,657, G>A on the plus strand (C>T on the coding strand, the complement: SALL1 is on the minus strand). VCF-style: chr16-51140657-G-A. GRCh37 (hg19) VCF-style: chr16-51174568-G-A.
Other names: c.1274C>T, p.Thr425Met (NM_001127892.2); short protein forms T425M, T522M.
Identifiers: ClinVar variation 1270493 (VCV001270493.6), dbSNP rs200304033, ClinGen allele CA8053266.